The following is an entry in ClinVar:

ClinVar aggregate classification (germline): Uncertain significance (1 of 4 stars; one submission).

Conditions:
Hereditary pancreatitis (PCTT). Also called: Hereditary chronic pancreatitis; PRSS1-Related Hereditary Pancreatitis. Identifiers: Orphanet 676, MedGen C0238339, MONDO:0008185, OMIM 167800.

Allele frequency attached by ClinVar (database versions not stated): ExAC 0.00001; gnomAD exomes 0.00001.
gnomAD v4.1: 9 of 1,542,954 alleles (0.00058%); highest among the groups gnomAD compares: Non-Finnish European, 0.00071%; no homozygotes.

Submission:

Ambry Genetics
Classification: Uncertain significance for Hereditary pancreatitis. Last evaluated: 2025-09-18. Review status: criteria provided, single submitter. Criteria: Ambry Variant Classification Scheme 2023. Collection method: clinical testing. Allele origin: germline.
Comment: The p.E172Q variant (also known as c.514G>C), located in coding exon 4 of the PRSS1 gene, results from a G to C substitution at nucleotide position 514. The glutamic acid at codon 172 is replaced by glutamine, an amino acid with highly similar properties. This amino acid position is conserved. In addition, this alteration is predicted to be tolerated by in silico analysis. Since supporting evidence is limited at this time, the clinical significance of this alteration remains unclear.

NM_002769.5(PRSS1):c.514G>C (p.Glu172Gln)

Genes: TRB (T cell receptor beta locus; plus strand), PRSS1 (serine protease 1; plus strand). Cytogenetic location: 7q34.
Variant type: single nucleotide variant.
Coding change: c.514G>C on transcript NM_002769.5 (MANE Select); coding-DNA position 514, G replaced by C.
Protein change: p.Glu172Gln; replaces glutamic acid 172 with glutamine.
Molecular consequence: missense variant. On other transcripts: non-coding transcript variant (5).
Genome position (GRCh38, 1-based): chr7:142,752,490, G>C. VCF-style: chr7-142752490-G-C. GRCh37 (hg19) VCF-style: chr7-142460341-G-C.
Other names: short protein forms E172Q.
Identifiers: ClinVar variation 1745662 (VCV001745662.4), dbSNP rs758254763, ClinGen allele CA4530047.